The following is an entry in ClinVar:

ClinVar aggregate classification (germline): Pathogenic/Likely pathogenic. Review status: criteria provided, multiple submitters, no conflicts (2 of 4 stars). 2 submissions from 2 submitters: Pathogenic (1); Likely pathogenic (1). Last evaluated 2024-12-24.

Conditions:
Ehlers-Danlos syndrome, arthrochalasia type. Also called: Ehlers-Danlos syndrome, arthrochalasis type; Ehlers-Danlos syndrome, arthrochalasia type, 1; ARTHROCHALASIS MULTIPLEX CONGENITA; EDS VII, MUTANT PROCOLLAGEN TYPE; EDS VIIA. Identifiers: Orphanet 1899, Orphanet 99875, Orphanet 99876, MedGen C4551623, MONDO:0007525, OMIM 130060.
Osteogenesis imperfecta type I (OI1). Also called: OI, TYPE I; OSTEOGENESIS IMPERFECTA TARDA; OSTEOGENESIS IMPERFECTA WITH BLUE SCLERAE; Lobstein disease; Osteogenesis imperfecta type 1; Lobstein's Disease. Identifiers: Orphanet 216796, Orphanet 666, MedGen C0023931, MONDO:0008146, OMIM 166200. Disease mechanism: loss of function.

Submissions (2):

Labcorp Genetics (formerly Invitae), Labcorp
Classification: Pathogenic for Osteogenesis imperfecta type I. Last evaluated: 2024-12-24. Review status: criteria provided, single submitter. Criteria: Invitae Variant Classification Sherloc (09022015). Collection method: clinical testing. Allele origin: germline.
Comment: This sequence change creates a premature translational stop signal (p.Trp53*) in the COL1A1 gene. It is expected to result in an absent or disrupted protein product. Loss-of-function variants in COL1A1 are known to be pathogenic (PMID: 7942841, 9295084, 9443882). This variant is not present in population databases (gnomAD no frequency). This premature translational stop signal has been observed in individual(s) with clinical features of osteogenesis imperfecta (PMID: 30886339). ClinVar contains an entry for this variant (Variation ID: 2849807). For these reasons, this variant has been classified as Pathogenic.

Neuberg Centre For Genomic Medicine, NCGM
Classification: Likely pathogenic for Ehlers-Danlos syndrome, arthrochalasia type. Last evaluated: 2023-05-20. Review status: criteria provided, single submitter. Criteria: ACMG Guidelines, 2015. Collection method: clinical testing. Allele origin: germline. Inheritance: Autosomal dominant inheritance. Affected: yes.
Comment: The observed stop gained variant c.159G>A(p.Trp53Ter) in COL1A1 gene has not been reported previously as a pathogenic variant nor as a benign variant, to our knowledge. The c.159G>A variant is absent in gnomAD Exomes. The reference nucleotide c.159G>A in COL1A1 is predicted as conserved by GERP++ and PhyloP across 100 vertebrates. Computational evidence (Mutation Taster - Disease causing) predicts damaging effect on protein structure and function for this variant.This variant is predicted to cause loss of normal protein function through protein truncation. Loss of function variants have been previously reported to be disease causing. (Körkkö J, et al., 1998). For these reasons, this variant has been classified as Likely Pathogenic.

Literature cited by the submitters: PubMed 7942841 (cited by Labcorp Genetics (formerly Invitae), Labcorp); PubMed 9295084 (cited by Labcorp Genetics (formerly Invitae), Labcorp); PubMed 9443882 (cited by Labcorp Genetics (formerly Invitae), Labcorp); PubMed 30886339 (cited by Labcorp Genetics (formerly Invitae), Labcorp).

NM_000088.4(COL1A1):c.159G>A (p.Trp53Ter)

Gene: COL1A1 (collagen type I alpha 1 chain; minus strand). Cytogenetic location: 17q21.33.
Variant type: single nucleotide variant.
Coding change: c.159G>A on transcript NM_000088.4 (MANE Select); coding-DNA position 159, G replaced by A.
Protein change: p.Trp53Ter; replaces tryptophan 53 with a stop codon.
Molecular consequence: nonsense.
Genome position (GRCh38, 1-based): chr17:50,199,892, C>T on the plus strand (G>A on the coding strand, the complement: COL1A1 is on the minus strand). VCF-style: chr17-50199892-C-T. GRCh37 (hg19) VCF-style: chr17-48277253-C-T.
Other names: short protein forms W53*.
Identifiers: ClinVar variation 2849807 (VCV002849807.6), dbSNP rs2509259283, ClinGen allele CA400228546.